The following is an entry in ClinVar:

NM_002439.5(MSH3):c.563G>T (p.Arg188Leu)

Gene: MSH3 (mutS homolog 3; plus strand). Cytogenetic location: 5q14.1.
Variant type: single nucleotide variant.
Coding change: c.563G>T on transcript NM_002439.5 (MANE Select); coding-DNA position 563, G replaced by T.
Protein change: p.Arg188Leu; replaces arginine 188 with leucine.
Molecular consequence: missense variant.
Genome position (GRCh38, 1-based): chr5:80,665,347, G>T. VCF-style: chr5-80665347-G-T. GRCh37 (hg19) VCF-style: chr5-79961166-G-T.
Other names: short protein forms R188L.
Identifiers: ClinVar variation 1748791 (VCV001748791.2), dbSNP rs572193350, ClinGen allele CA360264564.
Genomic context (GRCh38, chr5:80,665,347, plus strand): 5'-ATTTTGATGATATCAGTCTTCTACACGCAAAGAATGCAGTTTCTTCTGAAGATTCGAAAC[G>T]TCAAATTAATCAAAAGGTATGTAACTGCTATAGATGAGTATCCAGTTACCTAGAATAGTG-3'
Protein context (NP_002430.3, residues 178-198): KNAVSSEDSK[Arg188Leu]QINQKDTTLF

ClinVar aggregate classification (germline): Uncertain significance (1 of 4 stars; one submission).

Conditions:
Hereditary cancer-predisposing syndrome. Also called: Hereditary Cancer Syndrome; Hereditary neoplastic syndrome; Neoplastic Syndromes, Hereditary; Tumor predisposition. Identifiers: Orphanet 140162, MedGen C0027672, MeSH D009386, MONDO:0015356.

Submission:

Ambry Genetics
Classification: Uncertain significance for Hereditary cancer-predisposing syndrome. Last evaluated: 2022-09-12. Review status: criteria provided, single submitter. Criteria: Ambry Variant Classification Scheme 2023. Collection method: clinical testing. Allele origin: germline.
Comment: The p.R188L variant (also known as c.563G>T), located in coding exon 3 of the MSH3 gene, results from a G to T substitution at nucleotide position 563. The arginine at codon 188 is replaced by leucine, an amino acid with dissimilar properties. This amino acid position is conserved. In addition, this alteration is predicted to be tolerated by in silico analysis. Since supporting evidence is limited at this time, the clinical significance of this alteration remains unclear.